The following is an entry in ClinVar:

ClinVar aggregate classification (germline): Benign. Review status: criteria provided, multiple submitters, no conflicts (2 of 4 stars). 3 submissions from 3 submitters: Benign (3). Last evaluated 2024-11-27.

Conditions:
Deficiency of phosphoserine phosphatase (PSPHD). Also called: PSPH deficiency; Phosphoserine phosphatase deficiency. Identifiers: Orphanet 79350, MedGen C1291463, MONDO:0013531, OMIM 614023.

Allele frequency attached by ClinVar (database versions not stated): gnomAD exomes 0.07042 and 0.07087; 1000 Genomes Project 30x 0.04919; 1000 Genomes Project 0.05072; ESP Exome Variant Server 0.05198; gnomAD 0.05380 and 0.05490; TOPMed 0.05475; ExAC 0.06796.
gnomAD v4.1: 109,526 of 1,593,728 alleles (6.9%); highest among the groups gnomAD compares: Admixed American, 10%; 4,007 homozygotes.

Submissions (3):

Blueprint Genetics
Classification: Benign. Last evaluated: 2024-11-27. Review status: criteria provided, single submitter. Criteria: ACMG Guidelines, 2015. Collection method: clinical testing. Allele origin: germline.

Illumina Laboratory Services, Illumina
Classification: Benign for Deficiency of phosphoserine phosphatase. Last evaluated: 2018-01-12. Review status: criteria provided, single submitter. Criteria: ICSL Variant Classification Criteria 13 December 2019. Collection method: clinical testing. Allele origin: germline.
Comment: This variant was observed in the ICSL laboratory as part of a predisposition screen in an ostensibly healthy population. It had not been previously curated by ICSL or reported in the Human Gene Mutation Database (HGMD: prior to June 1st, 2018), and was therefore a candidate for classification through an automated scoring system. Utilizing variant allele frequency, disease prevalence and penetrance estimates, and inheritance mode, an automated score was calculated to assess if this variant is too frequent to cause the disease. Based on the score and internal cut-off values, a variant classified as benign is not then subjected to further curation. The score for this variant resulted in a classification of benign for this disease.

Breakthrough Genomics
Classification: Benign. Review status: criteria provided, single submitter. Criteria: ACMG Guidelines, 2015. Collection method: not provided. Allele origin: germline. Inheritance: Autosomal recessive inheritance. Affected: yes.

NM_004577.4(PSPH):c.*11C>T

Gene: PSPH (phosphoserine phosphatase; minus strand). Cytogenetic location: 7p11.2.
Variant type: single nucleotide variant.
Coding change: c.*11C>T on transcript NM_004577.4 (MANE Select); 11 bases downstream of the stop codon, C replaced by T.
Molecular consequence: 3 prime UTR variant.
Genome position (GRCh38, 1-based): chr7:56,011,751, G>A on the plus strand (C>T on the coding strand, the complement: PSPH is on the minus strand). VCF-style: chr7-56011751-G-A. GRCh37 (hg19) VCF-style: chr7-56079444-G-A.
Other names: c.*11C>T (NM_001370503.1, NM_001370504.1, NM_001370505.1 and 17 more transcripts).
Identifiers: ClinVar variation 360504 (VCV000360504.7), dbSNP rs35136814, ClinGen allele CA4268578.